The following is an entry in ClinVar:

ClinVar aggregate classification (germline): Benign/Likely benign. Review status: criteria provided, multiple submitters, no conflicts (2 of 4 stars). 3 submissions from 3 submitters: Benign (1); Likely benign (2). Last evaluated 2025-11-26.

Conditions:
EGFR-related lung cancer (EGFR). Identifiers: MedGen CN130014.
Hereditary cancer-predisposing syndrome. Also called: Hereditary Cancer Syndrome; Neoplastic Syndromes, Hereditary; Hereditary neoplastic syndrome; Tumor predisposition. Identifiers: Orphanet 140162, MedGen C0027672, MeSH D009386, MONDO:0015356.
Lung cancer. Also called: Lung cancer, somatic; Malignant tumor of lung. Identifiers: MedGen C0242379, MONDO:0008903, OMIM 211980.

Allele frequency attached by ClinVar (database versions not stated): gnomAD 0.00001; ExAC 0.00002; gnomAD exomes 0.00002; TOPMed 0.00002; ESP Exome Variant Server 0.00008.
gnomAD v4.1: 40 of 1,614,104 alleles (0.0025%); highest among the groups gnomAD compares: Non-Finnish European, 0.0033%; no homozygotes.

Submissions (3):

Labcorp Genetics (formerly Invitae), Labcorp
Classification: Likely benign for EGFR-related lung cancer. Last evaluated: 2025-11-26. Review status: criteria provided, single submitter. Criteria: Invitae Variant Classification Sherloc (09022015). Collection method: clinical testing. Allele origin: germline.

Ambry Genetics
Classification: Likely benign for Hereditary cancer-predisposing syndrome. Last evaluated: 2024-11-01. Review status: criteria provided, single submitter. Criteria: Ambry Variant Classification Scheme 2023. Collection method: clinical testing. Allele origin: germline.

Myriad Genetics, Inc.
Classification: Benign for Lung cancer. Last evaluated: 2024-10-16. Review status: criteria provided, single submitter. Criteria: Myriad Autosomal Dominant, Autosomal Recessive and X-Linked Classification Criteria (2023). Collection method: clinical testing. Allele origin: unknown.
Comment: This variant is considered benign. This variant is a silent/synonymous amino acid change and it is not expected to impact splicing.

NM_005228.5(EGFR):c.2385C>T (p.Phe795=)

Genes: EGFR (epidermal growth factor receptor; plus strand), EGFR-AS1 (EGFR antisense RNA 1; minus strand). Cytogenetic location: 7p11.2.
Variant type: single nucleotide variant.
Coding change: c.2385C>T on transcript NM_005228.5 (MANE Select); coding-DNA position 2385, C replaced by T.
Protein change: p.Phe795=; no amino-acid change (phenylalanine 795 retained).
Molecular consequence: synonymous variant. On other transcripts: non-coding transcript variant (1).
Genome position (GRCh38, 1-based): chr7:55,181,394, C>T. VCF-style: chr7-55181394-C-T. GRCh37 (hg19) VCF-style: chr7-55249087-C-T.
Other names: c.2250C>T, p.Phe750= (NM_001346897.2, NM_001346899.2); c.2385C>T, p.Phe795= (NM_001346898.2); c.2226C>T, p.Phe742= (NM_001346900.2); c.1584C>T, p.Phe528= (NM_001346941.2); c.2385C>T (NM_005228.3).
Identifiers: ClinVar variation 1092497 (VCV001092497.11), dbSNP rs375332959, ClinGen allele CA4266063.